The following is an entry in ClinVar:

ClinVar aggregate classification (germline): Likely benign (0 of 4 stars; one submission).

Conditions:
CHD7-related disorder. Also called: CHD7-related condition.

Submission:

PreventionGenetics, part of Exact Sciences
Classification: Likely benign for CHD7-related condition. Last evaluated: 2023-04-02. Review status: no assertion criteria provided. Collection method: clinical testing. Allele origin: germline.
Comment: This variant is classified as likely benign based on ACMG/AMP sequence variant interpretation guidelines (Richards et al. 2015 PMID: 25741868, with internal and published modifications).

NM_017780.4(CHD7):c.4455A>G (p.Glu1485=)

Gene: CHD7 (chromodomain helicase DNA binding protein 7; plus strand). Cytogenetic location: 8q12.2.
Variant type: single nucleotide variant.
Coding change: c.4455A>G on transcript NM_017780.4 (MANE Select); coding-DNA position 4455, A replaced by G.
Protein change: p.Glu1485=; no amino-acid change (glutamic acid 1485 retained).
Molecular consequence: synonymous variant. On other transcripts: intron variant (1).
Genome position (GRCh38, 1-based): chr8:60,838,177, A>G. VCF-style: chr8-60838177-A-G. GRCh37 (hg19) VCF-style: chr8-61750736-A-G.
Other names: c.1717-24052A>G (NM_001316690.1).
Identifiers: ClinVar variation 3044980 (VCV003044980.2), dbSNP rs2487915407, ClinGen allele CA460847215.